The following is an entry in ClinVar:

ClinVar aggregate classification (germline): Uncertain significance (1 of 4 stars; one submission).

Conditions:
Familial thoracic aortic aneurysm and aortic dissection (TAAD). Also called: Thoracic aortic aneurysms and dissections. Identifiers: Orphanet 91387, MedGen C4707243, MONDO:0019625.

Submission:

Labcorp Genetics (formerly Invitae), Labcorp
Classification: Uncertain significance for Familial thoracic aortic aneurysm and aortic dissection. Last evaluated: 2025-02-05. Review status: criteria provided, single submitter. Criteria: Invitae Variant Classification Sherloc (09022015). Collection method: clinical testing. Allele origin: germline.
Comment: This sequence change replaces valine, which is neutral and non-polar, with glycine, which is neutral and non-polar, at codon 321 of the TGFBR1 protein (p.Val321Gly). This variant is not present in population databases (gnomAD no frequency). This missense change has been observed in individuals with clinical features of Loeys-Dietz syndrome and/or thoracic aortic aneurysm and/or dissection (PMID: 35753512; internal data). ClinVar contains an entry for this variant (Variation ID: 2089285). Invitae Evidence Modeling of protein sequence and biophysical properties (such as structural, functional, and spatial information, amino acid conservation, physicochemical variation, residue mobility, and thermodynamic stability) indicates that this missense variant is not expected to disrupt TGFBR1 protein function with a negative predictive value of 80%. In summary, the available evidence is currently insufficient to determine the role of this variant in disease. Therefore, it has been classified as a Variant of Uncertain Significance.

Literature cited by the submitters: PubMed 35753512.

NM_004612.4(TGFBR1):c.962T>G (p.Val321Gly)

Gene: TGFBR1 (transforming growth factor beta receptor 1; plus strand). Cytogenetic location: 9q22.33.
Variant type: single nucleotide variant.
Coding change: c.962T>G on transcript NM_004612.4 (MANE Select); coding-DNA position 962, T replaced by G.
Protein change: p.Val321Gly; replaces valine 321 with glycine.
Molecular consequence: missense variant.
Genome position (GRCh38, 1-based): chr9:99,142,692, T>G. VCF-style: chr9-99142692-T-G. GRCh37 (hg19) VCF-style: chr9-101904974-T-G.
Other names: c.731T>G, p.Val244Gly (NM_001130916.3, NM_001407435.1); c.974T>G, p.Val325Gly (NM_001306210.2); c.767T>G, p.Val256Gly (NM_001407418.1, NM_001407419.1, NM_001407420.1 and 1 more transcripts); c.755T>G, p.Val252Gly (NM_001407423.1, NM_001407424.1, NM_001407425.1 and 8 more transcripts); c.716T>G, p.Val239Gly (NM_001407436.1); c.254T>G, p.Val85Gly (NM_001407437.1); c.485T>G, p.Val162Gly (NM_001407438.1); short protein forms V239G, V85G, V162G, V244G, V252G, V256G, V321G, V325G.
Identifiers: ClinVar variation 2089285 (VCV002089285.4), dbSNP rs2490225131, ClinGen allele CA374230825.